The following is an entry in ClinVar:

NM_000751.3(CHRND):c.1552T>G (p.Ter518Glu)

Gene: CHRND (cholinergic receptor nicotinic delta subunit; plus strand). Cytogenetic location: 2q37.1.
Variant type: single nucleotide variant.
Coding change: c.1552T>G on transcript NM_000751.3 (MANE Select); coding-DNA position 1552, T replaced by G.
Protein change: p.Ter518Glu.
Molecular consequence: stop lost.
Genome position (GRCh38, 1-based): chr2:232,535,310, T>G. VCF-style: chr2-232535310-T-G. GRCh37 (hg19) VCF-style: chr2-233400020-T-G.
Other names: c.1507T>G, p.Ter503Glu (NM_001256657.2); c.970T>G, p.Ter324Glu (NM_001311195.2); c.1249T>G, p.Ter417Glu (NM_001311196.2).
Identifiers: ClinVar variation 1469902 (VCV001469902.6), dbSNP rs756238142, ClinGen allele CA2168382.

ClinVar aggregate classification (germline): Uncertain significance (1 of 4 stars; one submission).

Conditions:
Lethal multiple pterygium syndrome (LMPS). Identifiers: Orphanet 33108, MedGen C1854678, MONDO:0009668, OMIM 253290.

Allele frequency attached by ClinVar (database versions not stated): TOPMed below 0.00001; ExAC 0.00001; gnomAD exomes 0.00001 and 0.00002.

Submission:

Labcorp Genetics (formerly Invitae), Labcorp
Classification: Uncertain significance for Lethal multiple pterygium syndrome. Last evaluated: 2022-07-19. Review status: criteria provided, single submitter. Criteria: Invitae Variant Classification Sherloc (09022015). Collection method: clinical testing. Allele origin: germline.
Comment: In summary, the available evidence is currently insufficient to determine the role of this variant in disease. Therefore, it has been classified as a Variant of Uncertain Significance. Experimental studies and prediction algorithms are not available or were not evaluated, and the functional significance of this variant is currently unknown. ClinVar contains an entry for this variant (Variation ID: 1469902). This variant has not been reported in the literature in individuals affected with CHRND-related conditions. This variant is present in population databases (rs756238142, gnomAD 0.03%). This sequence change disrupts the translational stop signal of the CHRND mRNA. It is expected to extend the length of the CHRND protein by 13 additional amino acid residues.